The following is an entry in ClinVar:

ClinVar aggregate classification (germline): Uncertain significance. Review status: criteria provided, multiple submitters, no conflicts (2 of 4 stars). 2 submissions from 2 submitters: Uncertain significance (2). Last evaluated 2025-06-09.

Conditions:
Hereditary cancer-predisposing syndrome. Also called: Neoplastic Syndromes, Hereditary; Hereditary neoplastic syndrome; Hereditary Cancer Syndrome; Tumor predisposition. Identifiers: Orphanet 140162, MedGen C0027672, MeSH D009386, MONDO:0015356.
Neurofibromatosis, type 2 (SWNV). Also called: BILATERAL ACOUSTIC NEUROFIBROMATOSIS; NF2-Related Schwannomatosis; SCHWANNOMATOSIS, VESTIBULAR. Identifiers: Orphanet 637, MedGen C0027832, MONDO:0007039, OMIM 101000. Disease mechanism: loss of function.

Submissions (2):

Labcorp Genetics (formerly Invitae), Labcorp
Classification: Uncertain significance for Neurofibromatosis, type 2. Last evaluated: 2025-06-09. Review status: criteria provided, single submitter. Criteria: Invitae Variant Classification Sherloc (09022015). Collection method: clinical testing. Allele origin: germline.
Comment: This sequence change replaces phenylalanine, which is neutral and non-polar, with cysteine, which is neutral and slightly polar, at codon 62 of the NF2 protein (p.Phe62Cys). This variant is not present in population databases (gnomAD no frequency). This variant has not been reported in the literature in individuals affected with NF2-related conditions. ClinVar contains an entry for this variant (Variation ID: 2778948). Invitae Evidence Modeling of protein sequence and biophysical properties (such as structural, functional, and spatial information, amino acid conservation, physicochemical variation, residue mobility, and thermodynamic stability) indicates that this missense variant is expected to disrupt NF2 protein function with a positive predictive value of 80%. In summary, the available evidence is currently insufficient to determine the role of this variant in disease. Therefore, it has been classified as a Variant of Uncertain Significance.

Ambry Genetics
Classification: Uncertain significance for Hereditary cancer-predisposing syndrome. Last evaluated: 2025-04-18. Review status: criteria provided, single submitter. Criteria: Ambry Variant Classification Scheme 2023. Collection method: clinical testing. Allele origin: germline.
Comment: The p.F62C variant (also known as c.185T>G), located in coding exon 2 of the NF2 gene, results from a T to G substitution at nucleotide position 185. The phenylalanine at codon 62 is replaced by cysteine, an amino acid with highly dissimilar properties. This amino acid position is conserved. In addition, this alteration is predicted to be deleterious by in silico analysis. Based on the available evidence, the clinical significance of this variant remains unclear.

NM_000268.4(NF2):c.185T>G (p.Phe62Cys)

Gene: NF2 (NF2, moesin-ezrin-radixin like (MERLIN) tumor suppressor; plus strand). Cytogenetic location: 22q12.2.
Variant type: single nucleotide variant.
Coding change: c.185T>G on transcript NM_000268.4 (MANE Select); coding-DNA position 185, T replaced by G.
Protein change: p.Phe62Cys; replaces phenylalanine 62 with cysteine.
Molecular consequence: missense variant. On other transcripts: 5 prime UTR variant (2), intron variant (6).
Genome position (GRCh38, 1-based): chr22:29,636,821, T>G. VCF-style: chr22-29636821-T-G. GRCh37 (hg19) VCF-style: chr22-30032810-T-G.
Other names: c.71T>G, p.Phe24Cys (NM_001407053.1, NM_001407056.1); c.185T>G, p.Phe62Cys (NM_001407054.1, NM_001407057.1, NM_001407058.1 and 9 more transcripts); c.-456T>G (NM_001407065.1); c.-72T>G (NM_001407067.1); c.115-2269T>G (NM_181828.3, NM_001407055.1); c.115-5381T>G (NM_001407063.1, NM_181830.3, NM_001407064.1 and 1 more transcripts); short protein forms F24C, F62C.
Identifiers: ClinVar variation 2778948 (VCV002778948.4), dbSNP rs121434261, ClinGen allele CA411152561.